The following is an entry in ClinVar:

ClinVar aggregate classification (germline): Uncertain significance. Review status: criteria provided, multiple submitters, no conflicts (2 of 4 stars). 2 submissions from 2 submitters: Uncertain significance (2). Last evaluated 2022-10-17.

Allele frequency attached by ClinVar (database versions not stated): gnomAD exomes 0.00001.
gnomAD v4.1: 9 of 1,613,968 alleles (0.00056%); highest among the groups gnomAD compares: South Asian, 0.0022%; no homozygotes.

Submissions (2):

Labcorp Genetics (formerly Invitae), Labcorp
Classification: Uncertain significance. Last evaluated: 2022-10-17. Review status: criteria provided, single submitter. Criteria: Invitae Variant Classification Sherloc (09022015). Collection method: clinical testing. Allele origin: germline.
Comment: This sequence change replaces arginine, which is basic and polar, with glutamine, which is neutral and polar, at codon 411 of the RELB protein (p.Arg411Gln). This variant is present in population databases (no rsID available, gnomAD 0.0009%). This variant has not been reported in the literature in individuals affected with RELB-related conditions. Algorithms developed to predict the effect of missense changes on protein structure and function are either unavailable or do not agree on the potential impact of this missense change (SIFT: "Tolerated"; PolyPhen-2: "Probably Damaging"; Align-GVGD: "Class C0"). In summary, the available evidence is currently insufficient to determine the role of this variant in disease. Therefore, it has been classified as a Variant of Uncertain Significance.

Ambry Genetics
Classification: Uncertain significance. Last evaluated: 2021-06-18. Review status: criteria provided, single submitter. Criteria: Ambry Variant Classification Scheme 2023. Collection method: clinical testing. Allele origin: germline.

NM_006509.4(RELB):c.1232G>A (p.Arg411Gln)

Gene: RELB (RELB proto-oncogene, NF-kB subunit; plus strand). Cytogenetic location: 19q13.32.
Variant type: single nucleotide variant.
Coding change: c.1232G>A on transcript NM_006509.4 (MANE Select); coding-DNA position 1232, G replaced by A.
Protein change: p.Arg411Gln; replaces arginine 411 with glutamine.
Molecular consequence: missense variant.
Genome position (GRCh38, 1-based): chr19:45,034,268, G>A. VCF-style: chr19-45034268-G-A. GRCh37 (hg19) VCF-style: chr19-45537526-G-A.
Other names: c.1223G>A, p.Arg408Gln (NM_001411087.1); short protein forms R408Q, R411Q.
Identifiers: ClinVar variation 2041605 (VCV002041605.5), dbSNP rs1259719710, ClinGen allele CA406306787.